The following is an entry in ClinVar:

NM_001853.4(COL9A3):c.814C>G (p.Pro272Ala)

Gene: COL9A3 (collagen type IX alpha 3 chain; plus strand). Cytogenetic location: 20q13.33.
Variant type: single nucleotide variant.
Coding change: c.814C>G on transcript NM_001853.4 (MANE Select); coding-DNA position 814, C replaced by G.
Protein change: p.Pro272Ala; replaces proline 272 with alanine.
Molecular consequence: missense variant.
Genome position (GRCh38, 1-based): chr20:62,827,262, C>G. VCF-style: chr20-62827262-C-G. GRCh37 (hg19) VCF-style: chr20-61458614-C-G.
Other names: short protein forms P272A.
Identifiers: ClinVar variation 1207404 (VCV001207404.12), dbSNP rs1016061418, ClinGen allele CA317331949.

ClinVar aggregate classification (germline): Uncertain significance. Review status: criteria provided, multiple submitters, no conflicts (2 of 4 stars). 3 submissions from 3 submitters: Uncertain significance (3). Last evaluated 2026-05-11.

Conditions:
Inborn genetic diseases. Identifiers: MedGen C0950123, MeSH D030342.

Allele frequency attached by ClinVar (database versions not stated): gnomAD exomes 0.00002 and 0.00006; TOPMed 0.00002; gnomAD 0.00003.
gnomAD v4.1: 91 of 1,613,148 alleles (0.0056%); highest among the groups gnomAD compares: Non-Finnish European, 0.0071%; no homozygotes.

Submissions (3):

Ambry Genetics
Classification: Uncertain significance for Inborn genetic diseases. Last evaluated: 2026-05-11. Review status: criteria provided, single submitter. Criteria: Ambry Variant Classification Scheme 2023. Collection method: clinical testing. Allele origin: germline.

Labcorp Genetics (formerly Invitae), Labcorp
Classification: Uncertain significance. Last evaluated: 2026-01-06. Review status: criteria provided, single submitter. Criteria: Invitae Variant Classification Sherloc (09022015). Collection method: clinical testing. Allele origin: germline.
Comment: This sequence change replaces proline, which is neutral and non-polar, with alanine, which is neutral and non-polar, at codon 272 of the COL9A3 protein (p.Pro272Ala). This variant is present in population databases (no rsID available, gnomAD 0.003%). This variant has not been reported in the literature in individuals affected with COL9A3-related conditions. ClinVar contains an entry for this variant (Variation ID: 1207404). Invitae Evidence Modeling of protein sequence and biophysical properties (such as structural, functional, and spatial information, amino acid conservation, physicochemical variation, residue mobility, and thermodynamic stability) indicates that this missense variant is not expected to disrupt COL9A3 protein function with a negative predictive value of 95%. In summary, the available evidence is currently insufficient to determine the role of this variant in disease. Therefore, it has been classified as a Variant of Uncertain Significance.

GeneDx
Classification: Uncertain significance. Last evaluated: 2025-10-22. Review status: criteria provided, single submitter. Criteria: GeneDx Variant Classification Process June 2021. Collection method: clinical testing. Allele origin: germline. Affected: yes.
Comment: Has not been previously published as pathogenic or benign to our knowledge; In silico analysis suggests that this missense variant does not alter protein structure/function; Not observed at significant frequency in large population cohorts (gnomAD)